The following is an entry in ClinVar:

ClinVar aggregate classification (germline): Uncertain significance (1 of 4 stars; one submission).

Conditions:
Hereditary sensory and autonomic neuropathy type 7. Also called: Neuropathy, hereditary sensory and autonomic, type VII; HSAN VII. Identifiers: Orphanet 391397, MedGen C3809882, MONDO:0014244, OMIM 615548.
Familial episodic pain syndrome with predominantly lower limb involvement. Also called: Episodic pain syndrome, familial, 3. Identifiers: Orphanet 391384, Orphanet 391392, MedGen C3809899, MONDO:0014247, OMIM 615552.

Submission:

Labcorp Genetics (formerly Invitae), Labcorp
Classification: Uncertain significance for Familial episodic pain syndrome with predominantly lower limb involvement; Hereditary sensory and autonomic neuropathy type 7. Last evaluated: 2021-03-23. Review status: criteria provided, single submitter. Criteria: Invitae Variant Classification Sherloc (09022015). Collection method: clinical testing. Allele origin: germline.
Comment: In summary, the available evidence is currently insufficient to determine the role of this variant in disease. Therefore, it has been classified as a Variant of Uncertain Significance. Algorithms developed to predict the effect of missense changes on protein structure and function output the following: SIFT: "Tolerated"; PolyPhen-2: "Benign"; Align-GVGD: "Class C0". The isoleucine amino acid residue is found in multiple mammalian species, suggesting that this missense change does not adversely affect protein function. These predictions have not been confirmed by published functional studies and their clinical significance is uncertain. This variant has not been reported in the literature in individuals with SCN11A-related conditions. This variant is not present in population databases (ExAC no frequency). This sequence change replaces valine with isoleucine at codon 270 of the SCN11A protein (p.Val270Ile). The valine residue is highly conserved and there is a small physicochemical difference between valine and isoleucine.

NM_001349253.2(SCN11A):c.808G>A (p.Val270Ile)

Gene: SCN11A (sodium voltage-gated channel alpha subunit 11; minus strand). Cytogenetic location: 3p22.2.
Variant type: single nucleotide variant.
Coding change: c.808G>A on transcript NM_001349253.2 (MANE Select); coding-DNA position 808, G replaced by A.
Protein change: p.Val270Ile; replaces valine 270 with isoleucine.
Molecular consequence: missense variant.
Genome position (GRCh38, 1-based): chr3:38,921,160, C>T on the plus strand (G>A on the coding strand, the complement: SCN11A is on the minus strand). VCF-style: chr3-38921160-C-T. GRCh37 (hg19) VCF-style: chr3-38962651-C-T.
Other names: c.808G>A, p.Val270Ile (NM_014139.3); short protein forms V270I.
Identifiers: ClinVar variation 1405105 (VCV001405105.8), dbSNP rs2125548557, ClinGen allele CA352172262.